The following is an entry in ClinVar:

ClinVar aggregate classification (germline): Uncertain significance (1 of 4 stars; one submission).

gnomAD v4.1: 3 of 1,613,578 alleles (0.00019%); highest among the groups gnomAD compares: Non-Finnish European, 0.00025%; no homozygotes.

Submission:

Labcorp Genetics (formerly Invitae), Labcorp
Classification: Uncertain significance. Last evaluated: 2022-08-16. Review status: criteria provided, single submitter. Criteria: Invitae Variant Classification Sherloc (09022015). Collection method: clinical testing. Allele origin: germline.
Comment: In summary, the available evidence is currently insufficient to determine the role of this variant in disease. Therefore, it has been classified as a Variant of Uncertain Significance. Algorithms developed to predict the effect of missense changes on protein structure and function output the following: SIFT: "Tolerated"; PolyPhen-2: "Benign"; Align-GVGD: "Class C0". The glutamic acid amino acid residue is found in multiple mammalian species, which suggests that this missense change does not adversely affect protein function. ClinVar contains an entry for this variant (Variation ID: 1524887). This variant has not been reported in the literature in individuals affected with DISP1-related conditions. This variant is not present in population databases (gnomAD no frequency). This sequence change replaces aspartic acid, which is acidic and polar, with glutamic acid, which is acidic and polar, at codon 1408 of the DISP1 protein (p.Asp1408Glu).

NM_001377229.1(DISP1):c.4224C>A (p.Asp1408Glu)

Gene: DISP1 (dispatched RND transporter family member 1; plus strand). Cytogenetic location: 1q41.
Variant type: single nucleotide variant.
Coding change: c.4224C>A on transcript NM_001377229.1 (MANE Select); coding-DNA position 4224, C replaced by A.
Protein change: p.Asp1408Glu; replaces aspartic acid 1408 with glutamic acid.
Molecular consequence: missense variant.
Genome position (GRCh38, 1-based): chr1:223,005,621, C>A. VCF-style: chr1-223005621-C-A. GRCh37 (hg19) VCF-style: chr1-223178963-C-A.
Other names: c.3495C>A, p.Asp1165Glu (NM_001350630.2); c.4224C>A, p.Asp1408Glu (NM_001369594.1, NM_001377228.1, NM_032890.5); short protein forms D1165E, D1408E.
Identifiers: ClinVar variation 1524887 (VCV001524887.6), dbSNP rs1679853609, ClinGen allele CA344693761.
Genomic context (GRCh38, chr1:223,005,621, plus strand): 5'-GGCAGAGCCATCGTCATTTGTCTGCAGAAGCACTGGATCGTTACTCAAAACGTGTTGCGA[C>A]CCCGAGAATAAACAAAGGGAACTCTGTAAAAATAGAGACGTGAGCAATCTGGAGAGCAGT-3'
Protein context (NP_001364158.1, residues 1398-1418): STGSLLKTCC[Asp1408Glu]PENKQRELCK